The following is an entry in ClinVar:

ClinVar aggregate classification (germline): Uncertain significance (1 of 4 stars; one submission).

Conditions:
Inborn genetic diseases. Identifiers: MedGen C0950123, MeSH D030342.

Submission:

Ambry Genetics
Classification: Uncertain significance for Inborn genetic diseases. Last evaluated: 2025-10-30. Review status: criteria provided, single submitter. Criteria: Ambry Variant Classification Scheme 2023. Collection method: clinical testing. Allele origin: germline.
Comment: The p.C730F variant (also known as c.2189G>T), located in coding exon 13 of the ASXL1 gene, results from a G to T substitution at nucleotide position 2189. The cysteine at codon 730 is replaced by phenylalanine, an amino acid with highly dissimilar properties. This amino acid position is conserved. In addition, this alteration is predicted to be tolerated by in silico analysis. Based on the available evidence, the clinical significance of this variant remains unclear.

NM_015338.6(ASXL1):c.2189G>T (p.Cys730Phe)

Gene: ASXL1 (ASXL transcriptional regulator 1; plus strand). Cytogenetic location: 20q11.21.
Variant type: single nucleotide variant.
Coding change: c.2189G>T on transcript NM_015338.6 (MANE Select); coding-DNA position 2189, G replaced by T.
Protein change: p.Cys730Phe; replaces cysteine 730 with phenylalanine.
Molecular consequence: missense variant.
Genome position (GRCh38, 1-based): chr20:32,434,901, G>T. VCF-style: chr20-32434901-G-T. GRCh37 (hg19) VCF-style: chr20-31022704-G-T.
Other names: c.2006G>T, p.Cys669Phe (NM_001363734.1); short protein forms C669F, C730F.
Identifiers: ClinVar variation 4588237 (VCV004588237.1).